The following is an entry in ClinVar:

NM_018089.3(ANKZF1):c.1885G>C (p.Glu629Gln)

Gene: ANKZF1 (ankyrin repeat and zinc finger peptidyl tRNA hydrolase 1; plus strand). Cytogenetic location: 2q35.
Variant type: single nucleotide variant.
Coding change: c.1885G>C on transcript NM_018089.3 (MANE Select); coding-DNA position 1885, G replaced by C.
Protein change: p.Glu629Gln; replaces glutamic acid 629 with glutamine.
Molecular consequence: missense variant.
Genome position (GRCh38, 1-based): chr2:219,235,789, G>C. VCF-style: chr2-219235789-G-C. GRCh37 (hg19) VCF-style: chr2-220100511-G-C.
Other names: c.1885G>C, p.Glu629Gln (NM_001042410.2); c.1255G>C, p.Glu419Gln (NM_001282792.2); short protein forms E419Q, E629Q.
Identifiers: ClinVar variation 3686940 (VCV003686940.2).
Genomic context (GRCh38, chr2:219,235,789, plus strand): 5'-GAAATGGAGGCACGGCAGGCTACACGGAAAAGGGAGCAGAAGGCAGCCCGGCGGCAACGG[G>C]AGGAACAGCAGCAGAGGCAGCAGGAGCAGGAGGAGCGTGAACGAGAAGAGCAGCGGCGAT-3'
Protein context (NP_060559.2, residues 619-639): REQKAARRQR[Glu629Gln]EQQQRQQEQE

ClinVar aggregate classification (germline): Uncertain significance (1 of 4 stars; one submission).

Submission:

Labcorp Genetics (formerly Invitae), Labcorp
Classification: Uncertain significance. Last evaluated: 2024-04-15. Review status: criteria provided, single submitter. Criteria: Invitae Variant Classification Sherloc (09022015). Collection method: clinical testing. Allele origin: germline.
Comment: This sequence change replaces glutamic acid, which is acidic and polar, with glutamine, which is neutral and polar, at codon 629 of the ANKZF1 protein (p.Glu629Gln). This variant is not present in population databases (gnomAD no frequency). This variant has not been reported in the literature in individuals affected with ANKZF1-related conditions. Algorithms developed to predict the effect of missense changes on protein structure and function output the following: SIFT: "Not Available"; PolyPhen-2: "Benign"; Align-GVGD: "Not Available". The glutamine amino acid residue is found in multiple mammalian species, which suggests that this missense change does not adversely affect protein function. In summary, the available evidence is currently insufficient to determine the role of this variant in disease. Therefore, it has been classified as a Variant of Uncertain Significance.